The following is an entry in ClinVar:

NM_007294.4(BRCA1):c.4903dup (p.Glu1635fs)

Gene: BRCA1 (BRCA1 DNA repair associated; minus strand). Cytogenetic location: 17q21.31.
Variant type: Duplication.
Coding change: c.4903dup on transcript NM_007294.4 (MANE Select); coding-DNA position 4903, one base duplicated (G; older notation c.4903dupG).
Protein change: p.Glu1635fs; shifts the reading frame from glutamic acid 1635.
Molecular consequence: frameshift variant. On other transcripts: non-coding transcript variant (1).
Genome position (GRCh38, 1-based): chr17:43,071,011, C duplicated on the plus strand (G on the coding strand, the reverse complement: BRCA1 is on the minus strand); the first of 3 consecutive C bases (chr17:43,071,011-43,071,013); duplicating any one gives the same sequence. VCF-style (leftmost placement, unchanged base first): chr17-43071010-T-TC. GRCh37 (hg19) VCF-style: chr17-41223027-T-TC.
Other names: c.4903dupG (NM_007294.3); c.4688dup, p.Glu1564Glyfs (NM_001407571.1, NM_001407894.1, NM_001407895.1 and 12 more transcripts); c.4967dup, p.Glu1657Glyfs (NM_001407581.1, NM_001407582.1); c.4964dup, p.Glu1656Glyfs (NM_001407583.1, NM_001407585.1, NM_001407587.1); c.4961dup, p.Glu1655Glyfs (NM_001407590.1, NM_001407591.1); c.4901dup, p.Glu1635Glyfs (NM_001407593.1, NM_001407594.1, NM_001407596.1 and 8 more transcripts); c.4898dup, p.Glu1634Glyfs (NM_001407610.1, NM_001407611.1, NM_001407612.1 and 17 more transcripts); c.4895dup, p.Glu1633Glyfs (NM_001407627.1, NM_001407628.1, NM_001407629.1 and 14 more transcripts); and 74 more; short protein forms E1588fs, E1635fs, E531fs, E1656fs.
Identifiers: ClinVar variation 825276 (VCV000825276.14), dbSNP rs1555580697, ClinGen allele CA915950106.

ClinVar aggregate classification (germline): Pathogenic. Review status: criteria provided, multiple submitters, no conflicts (2 of 4 stars). 2 submissions from 2 submitters: Pathogenic (2). Last evaluated 2021-05-04.

Conditions:
Hereditary breast ovarian cancer syndrome. Also called: Hereditary breast and ovarian cancer syndrome; Hereditary breast and ovarian cancer; Hereditary breast and ovarian cancer syndrome (HBOC); Breast and ovarian cancer; Hereditary breast and/or ovarian cancer syndrome; BRCA1- and BRCA2-Associated Hereditary Breast and Ovarian Cancer. Identifiers: Orphanet 145, MedGen C0677776, MeSH D061325, MONDO:0003582. Disease mechanism: loss of function.
Hereditary cancer-predisposing syndrome. Also called: Neoplastic Syndromes, Hereditary; Tumor predisposition; Hereditary neoplastic syndrome; Hereditary Cancer Syndrome. Identifiers: Orphanet 140162, MedGen C0027672, MeSH D009386, MONDO:0015356.

Submissions (2):

Labcorp Genetics (formerly Invitae), Labcorp
Classification: Pathogenic for Hereditary breast ovarian cancer syndrome. Last evaluated: 2021-05-04. Review status: criteria provided, single submitter. Criteria: Invitae Variant Classification Sherloc (09022015). Collection method: clinical testing. Allele origin: germline.
Comment: This sequence change creates a premature translational stop signal (p.Glu1635Glyfs*44) in the BRCA1 gene. It is expected to result in an absent or disrupted protein product. Loss-of-function variants in BRCA1 are known to be pathogenic (PMID: 20104584). This variant is not present in population databases (ExAC no frequency). This variant has been observed in individual(s) with breast and/or ovarian cancer. (PMID: 28294317, 30702160). ClinVar contains an entry for this variant (Variation ID: 825276). For these reasons, this variant has been classified as Pathogenic.

Ambry Genetics
Classification: Pathogenic for Hereditary cancer-predisposing syndrome. Last evaluated: 2019-03-19. Review status: criteria provided, single submitter. Criteria: Ambry Variant Classification Scheme 2023. Collection method: clinical testing. Allele origin: germline.
Comment: The c.4903dupG pathogenic mutation, located in coding exon 14 of the BRCA1 gene, results from a duplication of G at nucleotide position 4903, causing a translational frameshift with a predicted alternate stop codon (p.E1635Gfs*44). This alteration is expected to result in loss of function by premature protein truncation or nonsense-mediated mRNA decay. As such, this alteration is interpreted as a disease-causing mutation.

Literature cited by the submitters: PubMed 20104584 (cited by Labcorp Genetics (formerly Invitae), Labcorp); PubMed 28294317 (cited by Labcorp Genetics (formerly Invitae), Labcorp); PubMed 30702160 (cited by Labcorp Genetics (formerly Invitae), Labcorp).